The following is an entry in ClinVar:

NM_015272.5(RPGRIP1L):c.805A>G (p.Ile269Val)

Gene: RPGRIP1L (RPGRIP1 like; minus strand). Cytogenetic location: 16q12.2.
Variant type: single nucleotide variant.
Coding change: c.805A>G on transcript NM_015272.5 (MANE Select); coding-DNA position 805, A replaced by G.
Protein change: p.Ile269Val; replaces isoleucine 269 with valine.
Molecular consequence: missense variant.
Genome position (GRCh38, 1-based): chr16:53,675,094, T>C on the plus strand (A>G on the coding strand, the complement: RPGRIP1L is on the minus strand). VCF-style: chr16-53675094-T-C. GRCh37 (hg19) VCF-style: chr16-53709006-T-C.
Other names: c.805A>G, p.Ile269Val (NM_001127897.4, NM_001308334.3, NM_001330538.2); short protein forms I269V.
Identifiers: ClinVar variation 2134270 (VCV002134270.4), dbSNP rs2544514785, ClinGen allele CA395923252.

ClinVar aggregate classification (germline): Uncertain significance (1 of 4 stars; one submission).

Conditions:
Joubert syndrome. Also called: CEREBELLOPARENCHYMAL DISORDER IV; JOUBERT-BOLTSHAUSER SYNDROME; Familial aplasia of the vermis. Identifiers: Orphanet 475, MedGen C5979921, MONDO:0018772.
Meckel-Gruber syndrome. Also called: DYSENCEPHALIA SPLANCHNOCYSTICA; GRUBER SYNDROME; Dysencephalia splachnocystica. Identifiers: Orphanet 564, MedGen C0265215, MONDO:0018921.

Submission:

Labcorp Genetics (formerly Invitae), Labcorp
Classification: Uncertain significance for Joubert syndrome; Meckel-Gruber syndrome. Last evaluated: 2022-05-05. Review status: criteria provided, single submitter. Criteria: Invitae Variant Classification Sherloc (09022015). Collection method: clinical testing. Allele origin: germline.
Comment: Algorithms developed to predict the effect of missense changes on protein structure and function are either unavailable or do not agree on the potential impact of this missense change (SIFT: "Tolerated"; PolyPhen-2: "Probably Damaging"; Align-GVGD: "Class C0"). In summary, the available evidence is currently insufficient to determine the role of this variant in disease. Therefore, it has been classified as a Variant of Uncertain Significance. This variant has not been reported in the literature in individuals affected with RPGRIP1L-related conditions. This variant is not present in population databases (gnomAD no frequency). This sequence change replaces isoleucine, which is neutral and non-polar, with valine, which is neutral and non-polar, at codon 269 of the RPGRIP1L protein (p.Ile269Val).